The following is an entry in ClinVar:

NM_000195.5(HPS1):c.9C>T (p.Cys3=)

Gene: HPS1 (HPS1 biogenesis of lysosomal organelles complex 3 subunit 1; minus strand). Cytogenetic location: 10q24.2.
Variant type: single nucleotide variant.
Coding change: c.9C>T on transcript NM_000195.5 (MANE Select); coding-DNA position 9, C replaced by T.
Protein change: p.Cys3=; no amino-acid change (cysteine 3 retained).
Molecular consequence: synonymous variant. On other transcripts: 5 prime UTR variant (6).
Genome position (GRCh38, 1-based): chr10:98,443,232, G>A on the plus strand (C>T on the coding strand, the complement: HPS1 is on the minus strand). VCF-style: chr10-98443232-G-A. GRCh37 (hg19) VCF-style: chr10-100202989-G-A.
Other names: c.-908C>T (NM_001311345.2); c.9C>T, p.Cys3= (NM_001322476.2, NM_001322477.2, NM_001322478.2 and 8 more transcripts); c.-218C>T (NM_001322483.2, NM_001322484.2, NM_001322485.2); c.-1007C>T (NM_001322487.2); c.-765C>T (NM_001322489.2); c.9C>T (NM_000195.4).
Identifiers: ClinVar variation 991844 (VCV000991844.11), dbSNP rs750909242, ClinGen allele CA5639538.

ClinVar aggregate classification (germline): Likely benign. Review status: criteria provided, single submitter (1 of 4 stars). 3 submissions from 3 submitters: Likely benign (1). 2 of the submissions do not count toward it. Last evaluated 2026-01-18.

Conditions:
HPS1-related disorder. Also called: HPS1-related condition.
Hermansky-Pudlak syndrome (HPS). Also called: ALBINISM WITH HEMORRHAGIC DIATHESIS AND PIGMENTED RETICULOENDOTHELIAL CELLS. Identifiers: Orphanet 79430, MedGen C0079504, MONDO:0019312.

Allele frequency attached by ClinVar (database versions not stated): gnomAD exomes 0.00001 and 0.00002; ExAC 0.00003; TOPMed 0.00003; gnomAD 0.00004.
gnomAD v4.1: 26 of 1,612,784 alleles (0.0016%); highest among the groups gnomAD compares: Middle Eastern, 0.016%; no homozygotes.

Submissions (3):

Labcorp Genetics (formerly Invitae), Labcorp
Classification: Likely benign. Last evaluated: 2026-01-18. Review status: criteria provided, single submitter. Criteria: Invitae Variant Classification Sherloc (09022015). Collection method: clinical testing. Allele origin: germline.

Natera, Inc.
Classification: Uncertain significance for Hermansky-Pudlak syndrome. Last evaluated: 2020-08-16. Review status: no assertion criteria provided. Collection method: clinical testing. Allele origin: germline. Not counted in ClinVar's aggregate classification.

PreventionGenetics, part of Exact Sciences
Classification: Likely benign for HPS1-related condition. Last evaluated: 2019-09-18. Review status: no assertion criteria provided. Collection method: clinical testing. Allele origin: germline. Not counted in ClinVar's aggregate classification.
Comment: This variant is classified as likely benign based on ACMG/AMP sequence variant interpretation guidelines (Richards et al. 2015 PMID: 25741868, with internal and published modifications).